The following is an entry in ClinVar:

ClinVar aggregate classification (germline): Pathogenic. Review status: criteria provided, single submitter (1 of 4 stars). 2 submissions from 2 submitters: Pathogenic (1). 1 of the submissions does not count toward it. Last evaluated 2022-09-07.

Conditions:
Otofaciocervical syndrome 2 (OTFCS2). Also called: OTOFACIOCERVICAL SYNDROME 2, WITH T-CELL DEFICIENCY. Identifiers: MedGen C5442121, MONDO:0014254, OMIM 615560.

Submissions (2):

Labcorp Genetics (formerly Invitae), Labcorp
Classification: Pathogenic. Last evaluated: 2022-09-07. Review status: criteria provided, single submitter. Criteria: Invitae Variant Classification Sherloc (09022015). Collection method: clinical testing. Allele origin: germline.
Comment: Algorithms developed to predict the effect of missense changes on protein structure and function (SIFT, PolyPhen-2, Align-GVGD) all suggest that this variant is likely to be disruptive. For these reasons, this variant has been classified as Pathogenic. Experimental studies have shown that this missense change affects PAX1 function (PMID: 23851939). ClinVar contains an entry for this variant (Variation ID: 89026). This missense change has been observed in individual(s) with otofaciocervical syndrome (PMID: 23851939). It has also been observed to segregate with disease in related individuals. This variant is present in population databases (rs540296842, gnomAD 0.0009%). This sequence change replaces glycine, which is neutral and non-polar, with valine, which is neutral and non-polar, at codon 166 of the PAX1 protein (p.Gly166Val).

OMIM
Classification: Pathogenic for OTOFACIOCERVICAL SYNDROME 2. Last evaluated: 2013-11-01. Review status: no assertion criteria provided. Collection method: literature only. Allele origin: germline. Not counted in ClinVar's aggregate classification.

Literature cited by the submitters: PubMed 23851939 (cited by Labcorp Genetics (formerly Invitae), Labcorp and OMIM).

NM_001257096.2(PAX1):c.497G>T (p.Gly166Val)

Gene: PAX1 (paired box 1; plus strand). Cytogenetic location: 20p11.22.
Variant type: single nucleotide variant.
Coding change: c.497G>T on transcript NM_001257096.2 (MANE Select); coding-DNA position 497, G replaced by T.
Protein change: p.Gly166Val; replaces glycine 166 with valine.
Molecular consequence: missense variant.
Genome position (GRCh38, 1-based): chr20:21,706,648, G>T. VCF-style: chr20-21706648-G-T. GRCh37 (hg19) VCF-style: chr20-21687286-G-T.
Other names: c.497G>T, p.Gly166Val (NM_006192.5); short protein forms G166V.
Identifiers: ClinVar variation 89026 (VCV000089026.9), dbSNP rs540296842, ClinGen allele CA145441.